The following is an entry in ClinVar:

ClinVar aggregate classification (germline): Uncertain significance (1 of 4 stars; one submission).

Conditions:
Hyperkalemic periodic paralysis. Also called: Familial hyperkalemic periodic paralysis; Gamstorp disease. Identifiers: Orphanet 682, MedGen C0238357, MONDO:0008224, OMIM 170500, HP:0007215.

Submission:

Labcorp Genetics (formerly Invitae), Labcorp
Classification: Uncertain significance for Hyperkalemic periodic paralysis. Last evaluated: 2022-09-19. Review status: criteria provided, single submitter. Criteria: Invitae Variant Classification Sherloc (09022015). Collection method: clinical testing. Allele origin: germline.
Comment: This variant is not present in population databases (gnomAD no frequency). This sequence change replaces methionine, which is neutral and non-polar, with threonine, which is neutral and polar, at codon 1701 of the SCN4A protein (p.Met1701Thr). This variant has not been reported in the literature in individuals affected with SCN4A-related conditions. In summary, the available evidence is currently insufficient to determine the role of this variant in disease. Therefore, it has been classified as a Variant of Uncertain Significance. Advanced modeling of protein sequence and biophysical properties (such as structural, functional, and spatial information, amino acid conservation, physicochemical variation, residue mobility, and thermodynamic stability) has been performed at Invitae for this missense variant, however the output from this modeling did not meet the statistical confidence thresholds required to predict the impact of this variant on SCN4A protein function. ClinVar contains an entry for this variant (Variation ID: 1359996).

NM_000334.4(SCN4A):c.5102T>C (p.Met1701Thr)

Genes: SCN4A (sodium voltage-gated channel alpha subunit 4; minus strand), GH-LCR (growth hormone locus control region; plus strand). Cytogenetic location: 17q23.3.
Variant type: single nucleotide variant.
Coding change: c.5102T>C on transcript NM_000334.4 (MANE Select); coding-DNA position 5102, T replaced by C.
Protein change: p.Met1701Thr; replaces methionine 1701 with threonine.
Molecular consequence: missense variant.
Genome position (GRCh38, 1-based): chr17:63,941,180, A>G on the plus strand (T>C on the coding strand, the complement: SCN4A is on the minus strand). VCF-style: chr17-63941180-A-G. GRCh37 (hg19) VCF-style: chr17-62018540-A-G.
Other names: short protein forms M1701T.
Identifiers: ClinVar variation 1359996 (VCV001359996.6), dbSNP rs2144773551, ClinGen allele CA400614078.
Genomic context (GRCh38, chr17:63,941,180, plus strand): 5'-GTGGTGGTGATGGGCTCGTAGGACACCTTGGAGGGGTTGGCTGCCATGAACTTCTCCTCC[A>G]TGGTCTGCTTGAGGGCGTCCATTTCCCCAGAGTCACCCAGGACCTCTTTGGTCAGGGCAA-3'
Protein context (NP_000325.4, residues 1691-1711): SGEMDALKQT[Met1701Thr]EEKFMAANPS